The following continues an entry in ClinVar:

NM_006446.5(SLCO1B1):c.521T>C (p.Val174Ala)

Gene: SLCO1B1. ClinVar aggregate classification (germline): drug response. drug response (15).

Submissions 18 to 25 of 25:

Illumina Laboratory Services, Illumina
Classification: Benign for Rotor syndrome. Last evaluated: 2018-03-06. Review status: criteria provided, single submitter. Criteria: ICSL Variant Classification Criteria 13 December 2019. Collection method: clinical testing. Allele origin: germline. Not counted in ClinVar's aggregate classification.
Comment: This variant was observed in the ICSL laboratory as part of a predisposition screen in an ostensibly healthy population. It had not been previously curated by ICSL or reported in the Human Gene Mutation Database (HGMD: prior to June 1st, 2018), and was therefore a candidate for classification through an automated scoring system. Utilizing variant allele frequency, disease prevalence and penetrance estimates, and inheritance mode, an automated score was calculated to assess if this variant is too frequent to cause the disease. Based on the score and internal cut-off values, a variant classified as benign is not then subjected to further curation. The score for this variant resulted in a classification of benign for this disease.

Eurofins Ntd Llc (ga)
Classification: other. Last evaluated: 2015-07-22. Review status: criteria provided, single submitter. Criteria: EGL Classification Definitions 2015. Collection method: clinical testing. Allele origin: germline. Observed: 116 variant alleles, 111 heterozygotes, 4 homozygotes. Not counted in ClinVar's aggregate classification.

PreventionGenetics, part of Exact Sciences
Classification: Likely benign for SLCO1B1-related condition. Last evaluated: 2021-07-21. Review status: no assertion criteria provided. Collection method: clinical testing. Allele origin: germline. Not counted in ClinVar's aggregate classification.
Comment: This variant is classified as likely benign based on ACMG/AMP sequence variant interpretation guidelines (Richards et al. 2015 PMID: 25741868, with internal and published modifications).

Difficult and Complicated Liver Diseases and Artificial Liver Center, Beijing You An Hospital, Capital Medical University
Classification: Pathogenic for Gilbert syndrome. Last evaluated: 2019-05-01. Review status: no assertion criteria provided. Collection method: case-control. Allele origin: inherited. Affected: yes. Observed: 58 variant alleles. Not counted in ClinVar's aggregate classification.

Clinical Genetics, Academic Medical Center
Classification: Benign. Review status: no assertion criteria provided. Collection method: clinical testing. Allele origin: germline. Affected: yes. Study: VKGL Data-share Consensus. Not counted in ClinVar's aggregate classification.

Diagnostic Laboratory, Department of Genetics, University Medical Center Groningen
Classification: Benign for Rotor syndrome. Review status: no assertion criteria provided. Collection method: clinical testing. Allele origin: germline. Affected: yes. Study: VKGL Data-share Consensus. Not counted in ClinVar's aggregate classification.

Genome Diagnostics Laboratory, University Medical Center Utrecht
Classification: Benign. Review status: no assertion criteria provided. Collection method: clinical testing. Allele origin: germline. Affected: yes. Study: VKGL Data-share Consensus. Not counted in ClinVar's aggregate classification.

Joint Genome Diagnostic Labs from Nijmegen and Maastricht, Radboudumc and MUMC+
Classification: Benign. Review status: no assertion criteria provided. Collection method: clinical testing. Allele origin: germline. Affected: yes. Study: VKGL Data-share Consensus. Not counted in ClinVar's aggregate classification.

Literature cited by the submitters: PubMed 15970799 (cited by ClinPGx); PubMed 17473846 (cited by ClinPGx); PubMed 19374892 (cited by ClinPGx); PubMed 20040338 (cited by ClinPGx); PubMed 23361102 (cited by ClinPGx); PubMed 23876492 (cited by ClinPGx); PubMed 25673568 (cited by ClinPGx); PubMed 26373210 (cited by ClinPGx); PubMed 26857559 (cited by ClinPGx); PubMed 28435225 (cited by ClinPGx); PubMed 29039339 (cited by ClinPGx); PubMed 29442027 (cited by ClinPGx); PubMed 30528195 (cited by ClinPGx); PubMed 31594719 (cited by ClinPGx); PubMed 32128760 (cited by ClinPGx); PubMed 33805706 (cited by ClinPGx); PubMed 35034348 (cited by ClinPGx); PubMed 34114646 (cited by ClinPGx); PubMed 17460607 (cited by ClinPGx); PubMed 23556337 (cited by ClinPGx); PubMed 19833260 (cited by ClinPGx); PubMed 23942138 (cited by ClinPGx); PubMed 27839692 (cited by ClinPGx); PubMed 17108811 (cited by ClinPGx); PubMed 24598718 (cited by ClinPGx); PubMed 25446771 (cited by ClinPGx); PubMed 26164721 (cited by ClinPGx); PubMed 26367500 (cited by ClinPGx); PubMed 26774055 (cited by ClinPGx); PubMed 28350522 (cited by ClinPGx); PubMed 29469964 (cited by ClinPGx); PubMed 17015053 (cited by ClinPGx); PubMed 30989645 (cited by ClinPGx); PubMed 26020121 (cited by ClinPGx); PubMed 27967318 (cited by ClinPGx); PubMed 20347093 (cited by ClinPGx); PubMed 23708174 (cited by ClinPGx); PubMed 28812116 (cited by ClinPGx); PubMed 29950617 (cited by ClinPGx); PubMed 30250148 (cited by ClinPGx); PubMed 30595243 (cited by ClinPGx); PubMed 18650507 (cited by ClinPGx); PubMed 21243006 (cited by ClinPGx); PubMed 24263182 (cited by ClinPGx); PubMed 28940218 (cited by ClinPGx); PubMed 29242847 (cited by ClinPGx); PubMed 21928084 (cited by ClinPGx); PubMed 26086347 (cited by ClinPGx); PubMed 32453264 (cited by ClinPGx); PubMed 16198652 (cited by ClinPGx); PubMed 17568401 (cited by ClinPGx); PubMed 23930675 (cited by ClinPGx); PubMed 25630984 (cited by ClinPGx); PubMed 27557342 (cited by ClinPGx); PubMed 31857620 (cited by ClinPGx); PubMed 31981411 (cited by ClinPGx); PubMed 32361904 (cited by ClinPGx); PubMed 21178985 (cited by ClinPGx); PubMed 27595674 (cited by ClinPGx); PubMed 29785580 (cited by ClinPGx); PubMed 31220337 (cited by ClinPGx); PubMed 31242253 (cited by ClinPGx); PubMed 31967516 (cited by ClinPGx).